The following is an entry in ClinVar:

NM_000097.7(CPOX):c.990A>G (p.Glu330=)

Gene: CPOX (coproporphyrinogen oxidase; minus strand). Cytogenetic location: 3q11.2.
Variant type: single nucleotide variant.
Coding change: c.990A>G on transcript NM_000097.7 (MANE Select); coding-DNA position 990, A replaced by G.
Protein change: p.Glu330=; no amino-acid change (glutamic acid 330 retained).
Molecular consequence: synonymous variant.
Genome position (GRCh38, 1-based): chr3:98,585,623, T>C on the plus strand (A>G on the coding strand, the complement: CPOX is on the minus strand). VCF-style: chr3-98585623-T-C. GRCh37 (hg19) VCF-style: chr3-98304467-T-C.
Other names: p.Glu330=; c.990A>G, p.Glu330= (LRG_1077t1).
Identifiers: ClinVar variation 346977 (VCV000346977.18), dbSNP rs1729995, ClinGen allele CA2511546.
Genomic context (GRCh38, chr3:98,585,623, plus strand): 5'-CACCTCCTCCTTGGACGGAGAGTCAAGATCATCAAAAAAGATACCACCAATGCCCCGCCG[T>C]TCTCCACGATGGGCTATAAAGAAGTAATCATCACACCTGGAAAACACAGCGGCGCCAAAC-3'
Protein context (NP_000088.3, residues 320-340): DDYFFIAHRG[Glu330=]RRGIGGIFFD

ClinVar aggregate classification (germline): Benign. Review status: criteria provided, multiple submitters, no conflicts (2 of 4 stars). 8 submissions from 8 submitters: Benign (6). 2 of the submissions do not count toward it. Last evaluated 2026-02-04.

Conditions:
Hereditary coproporphyria (HCP). Also called: Hereditary coproporphyria porphyria; Porphyria hepatica coproporphyria; Porphyria hepatica II; CPRO deficiency; COPROPORPHYRINOGEN OXIDASE DEFICIENCY; CPO DEFICIENCY. Identifiers: Orphanet 79273, MedGen C0162531, MONDO:0007369, OMIM 121300.

Allele frequency attached by ClinVar (database versions not stated): gnomAD exomes 0.68711 and 0.70284; ExAC 0.70652; ESP Exome Variant Server 0.74389; gnomAD 0.74667 and 0.74986; 1000 Genomes Project 0.75399; TOPMed 0.75414; 1000 Genomes Project 30x 0.75812.
gnomAD v4.1: 1,117,963 of 1,613,094 alleles (69%); highest among the groups gnomAD compares: African/African-American, 89%; 389,980 homozygotes.

Submissions (8):

Labcorp Genetics (formerly Invitae), Labcorp
Classification: Benign. Last evaluated: 2026-02-04. Review status: criteria provided, single submitter. Criteria: Invitae Variant Classification Sherloc (09022015). Collection method: clinical testing. Allele origin: germline.

Blueprint Genetics
Classification: Benign. Last evaluated: 2024-11-26. Review status: criteria provided, single submitter. Criteria: ACMG Guidelines, 2015. Collection method: clinical testing. Allele origin: germline.

Mayo Clinic Laboratories, Mayo Clinic
Classification: Benign. Last evaluated: 2022-05-05. Review status: criteria provided, single submitter. Criteria: ACMG Guidelines, 2015. Collection method: clinical testing. Allele origin: germline. Observed: 1,772 variant alleles.

Illumina Laboratory Services, Illumina
Classification: Benign for Hereditary coproporphyria. Last evaluated: 2018-01-13. Review status: criteria provided, single submitter. Criteria: ICSL Variant Classification Criteria 13 December 2019. Collection method: clinical testing. Allele origin: germline.
Comment: This variant was observed in the ICSL laboratory as part of a predisposition screen in an ostensibly healthy population. It had not been previously curated by ICSL or reported in the Human Gene Mutation Database (HGMD: prior to June 1st, 2018), and was therefore a candidate for classification through an automated scoring system. Utilizing variant allele frequency, disease prevalence and penetrance estimates, and inheritance mode, an automated score was calculated to assess if this variant is too frequent to cause the disease. Based on the score and internal cut-off values, a variant classified as benign is not then subjected to further curation. The score for this variant resulted in a classification of benign for this disease.

Clinical Genetics DNA and cytogenetics Diagnostics Lab, Erasmus MC, Erasmus Medical Center
Classification: Benign for Hereditary coproporphyria. Last evaluated: 2015-09-21. Review status: criteria provided, single submitter. Criteria: ACGS Guidelines, 2013. Collection method: clinical testing. Allele origin: germline. Affected: yes. Study: VKGL Data-share Consensus.

Breakthrough Genomics
Classification: Benign. Review status: criteria provided, single submitter. Criteria: ACMG Guidelines, 2015. Collection method: not provided. Allele origin: germline. Inheritance: Autosomal recessive inheritance. Affected: yes.

Clinical Genetics, Academic Medical Center
Classification: Benign. Review status: no assertion criteria provided. Collection method: clinical testing. Allele origin: germline. Affected: yes. Study: VKGL Data-share Consensus. Not counted in ClinVar's aggregate classification.

Diagnostic Laboratory, Department of Genetics, University Medical Center Groningen
Classification: Benign for Hereditary coproporphyria. Review status: no assertion criteria provided. Collection method: clinical testing. Allele origin: germline. Affected: yes. Study: VKGL Data-share Consensus. Not counted in ClinVar's aggregate classification.